The following is an entry in ClinVar:

NM_030665.4(RAI1):c.-5G>C

Gene: RAI1 (retinoic acid induced 1; plus strand). Cytogenetic location: 17p11.2.
Variant type: single nucleotide variant.
Coding change: c.-5G>C on transcript NM_030665.4 (MANE Select); 5 bases upstream of the start codon, G replaced by C.
Molecular consequence: 5 prime UTR variant.
Genome position (GRCh38, 1-based): chr17:17,792,944, G>C. VCF-style: chr17-17792944-G-C. GRCh37 (hg19) VCF-style: chr17-17696258-G-C.
Identifiers: ClinVar variation 3351198 (VCV003351198.1).
Genomic context (GRCh38, chr17:17,792,944, plus strand): 5'-CTCCCCTCCCTCCTTCCCTCCCTCCCTCCCTTCCTTTTTCTTTTCACAGATAACCAGCCC[G>C]AGTCATGCAGTCTTTTCGAGAAAGGTGTGGTTTCCATGGCAAACAACAGAACTACCAGCA-3'

ClinVar aggregate classification (germline): Likely benign (0 of 4 stars; one submission).

Conditions:
RAI1-related disorder. Also called: RAI1-related condition.

gnomAD v4.1: 6 of 1,152,126 alleles (0.00052%); highest among the groups gnomAD compares: East Asian, 0.0053%; no homozygotes.

Submission:

PreventionGenetics, part of Exact Sciences
Classification: Likely benign for RAI1-related condition. Last evaluated: 2023-07-28. Review status: no assertion criteria provided. Collection method: clinical testing. Allele origin: germline.
Comment: This variant is classified as likely benign based on ACMG/AMP sequence variant interpretation guidelines (Richards et al. 2015 PMID: 25741868, with internal and published modifications).